The following is an entry in ClinVar:

ClinVar aggregate classification (germline): Pathogenic (1 of 4 stars; one submission).

Conditions:
Bloom syndrome (BLM). Also called: Bloom-Torre-Machacek syndrome. Identifiers: Orphanet 125, MedGen C0005859, MONDO:0008876, OMIM 210900.

Submission:

3billion
Classification: Pathogenic for Bloom syndrome. Last evaluated: 2024-07-05. Review status: criteria provided, single submitter. Criteria: ACMG Guidelines, 2015. Collection method: clinical testing. Allele origin: germline. Affected: yes.
Comment: The variant is observed at an extremely low frequency in the gnomAD v4.0.0 dataset (total allele frequency: <0.001%). Predicted Consequence/Location: Frameshift: predicted to result in a loss or disruption of normal protein function through nonsense-mediated decay (NMD) or protein truncation. Multiple pathogenic variants are reported downstream of the variant. Therefore, this variant is classified as Pathogenic according to the recommendation of ACMG/AMP guideline.

NM_000057.4(BLM):c.2268dup (p.Asp757fs)

Gene: BLM (BLM RecQ like helicase; plus strand). Cytogenetic location: 15q26.1.
Variant type: Duplication.
Coding change: c.2268dup on transcript NM_000057.4 (MANE Select); coding-DNA position 2268, one base duplicated (A; older notation c.2268dupA).
Protein change: p.Asp757fs; shifts the reading frame from aspartic acid 757.
Molecular consequence: frameshift variant.
Genome position (GRCh38, 1-based): chr15:90,766,984, A duplicated; the last of 7 consecutive A bases (chr15:90,766,978-90,766,984); duplicating any one gives the same sequence. VCF-style (leftmost placement, unchanged base first): chr15-90766977-C-CA. GRCh37 (hg19) VCF-style: chr15-91310207-C-CA.
Other names: c.2268dup, p.Asp757fs (NM_001287246.2, NM_001287247.2); c.1143dup, p.Asp382fs (NM_001287248.2); short protein forms D382fs, D757fs.
Identifiers: ClinVar variation 4292552 (VCV004292552.1).